The following is an entry in ClinVar:

NM_182914.3(SYNE2):c.20567G>T (p.Arg6856Leu)

Gene: SYNE2 (spectrin repeat containing nuclear envelope protein 2; plus strand). Cytogenetic location: 14q23.2.
Variant type: single nucleotide variant.
Coding change: c.20567G>T on transcript NM_182914.3 (MANE Select); coding-DNA position 20567, G replaced by T.
Protein change: p.Arg6856Leu; replaces arginine 6856 with leucine.
Molecular consequence: missense variant.
Genome position (GRCh38, 1-based): chr14:64,225,369, G>T. VCF-style: chr14-64225369-G-T. GRCh37 (hg19) VCF-style: chr14-64692087-G-T.
Other names: c.20501G>T, p.Arg6834Leu (NM_015180.6); c.1133G>T, p.Arg378Leu (NM_182910.2); c.1514G>T, p.Arg505Leu (NM_182913.4); short protein forms R6856L, R378L, R505L, R6834L.
Identifiers: ClinVar variation 1398113 (VCV001398113.6), dbSNP rs756327978, ClinGen allele CA389984045.

ClinVar aggregate classification (germline): Uncertain significance (1 of 4 stars; one submission).

Conditions:
Emery-Dreifuss muscular dystrophy 5, autosomal dominant (EDMD5). Also called: EMERY-DREIFUSS MUSCULAR DYSTROPHY 5. Identifiers: Orphanet 261, MedGen C2751805, MONDO:0013072, OMIM 612999.

gnomAD v4.1: 1 of 1,613,998 alleles (0.000062%); highest among the groups gnomAD compares: Non-Finnish European, 0.000085%; no homozygotes.

Submission:

Labcorp Genetics (formerly Invitae), Labcorp
Classification: Uncertain significance for Emery-Dreifuss muscular dystrophy 5, autosomal dominant. Last evaluated: 2023-06-20. Review status: criteria provided, single submitter. Criteria: Invitae Variant Classification Sherloc (09022015). Collection method: clinical testing. Allele origin: germline.
Comment: This variant has not been reported in the literature in individuals affected with SYNE2-related conditions. In summary, the available evidence is currently insufficient to determine the role of this variant in disease. Therefore, it has been classified as a Variant of Uncertain Significance. An algorithm developed to predict the effect of missense changes on protein structure and function (PolyPhen-2) suggests that this variant is likely to be disruptive. ClinVar contains an entry for this variant (Variation ID: 1398113). This variant is not present in population databases (gnomAD no frequency). This sequence change replaces arginine, which is basic and polar, with leucine, which is neutral and non-polar, at codon 6856 of the SYNE2 protein (p.Arg6856Leu).